The following is an entry in ClinVar:

NM_000257.4(MYH7):c.3652G>A (p.Glu1218Lys)

Gene: MYH7 (myosin heavy chain 7; minus strand). Cytogenetic location: 14q11.2.
Variant type: single nucleotide variant.
Coding change: c.3652G>A on transcript NM_000257.4 (MANE Select); coding-DNA position 3652, G replaced by A.
Protein change: p.Glu1218Lys; replaces glutamic acid 1218 with lysine.
Molecular consequence: missense variant.
Genome position (GRCh38, 1-based): chr14:23,419,919, C>T on the plus strand (G>A on the coding strand, the complement: MYH7 is on the minus strand). VCF-style: chr14-23419919-C-T. GRCh37 (hg19) VCF-style: chr14-23889128-C-T.
Other names: c.3652G>A, p.Glu1218Lys (NM_001407004.1); short protein forms E1218K.
Identifiers: ClinVar variation 4855375 (VCV004855375.1).
Genomic context (GRCh38, chr14:23,419,919, plus strand): 5'-TCTGCTCCATGTTGGAGGTGACGTCATCCAGCTCCAGCTTGAACTCGCTCTTCTCCTTCT[C>T]CAGCTTCTGCTTCACCCGCTGCAGGTTGTCGATCTGCTCGCCCAGCTCGGCCACGCTGTC-3'
Protein context (NP_000248.2, residues 1208-1228): DNLQRVKQKL[Glu1218Lys]KEKSEFKLEL

ClinVar aggregate classification (germline): Uncertain significance (1 of 4 stars; one submission).

Conditions:
Hypertrophic cardiomyopathy 1 (CMH1). Also called: Familial hypertrophic cardiomyopathy 1; MYH7-Related Familial Hypertrophic Cardiomyopathy. Identifiers: MedGen C3495498, MONDO:0008647, OMIM 192600.

Submission:

3billion
Classification: Uncertain significance for Hypertrophic cardiomyopathy 1. Last evaluated: 2026-01-09. Review status: criteria provided, single submitter. Criteria: ACMG Guidelines, 2015. Collection method: clinical testing. Allele origin: germline. Affected: yes.
Comment: The variant is observed at an extremely low frequency in the gnomAD v4.1.0 dataset (total allele frequency: <0.001%). Predicted Consequence/Location: Missense variant In silico tool predictions suggest damaging effect of the variant on gene or gene product [REVEL: 0.93 (>=0.6, sensitivity 0.68 and specificity 0.92); 3Cnet: 0.84 (> 0.75, sensitivity 0.96 and precision 0.92)]. A different missense change at the same codon (p.Glu1218Gln) has been reported to be associated with MYH7-related disorder (PMID: 12707239). However the evidence of pathogenicity is insufficient at this time. Therefore, this variant is classified as VUS according to the recommendation of ACMG/AMP guideline.

Literature cited by the submitters: PubMed 12707239.